The following is an entry in ClinVar:

NM_144999.4(LRRC45):c.775T>C (p.Phe259Leu)

Gene: LRRC45 (leucine rich repeat containing 45; plus strand). Cytogenetic location: 17q25.3.
Variant type: single nucleotide variant.
Coding change: c.775T>C on transcript NM_144999.4 (MANE Select); coding-DNA position 775, T replaced by C.
Protein change: p.Phe259Leu; replaces phenylalanine 259 with leucine.
Molecular consequence: missense variant.
Genome position (GRCh38, 1-based): chr17:82,027,386, T>C. VCF-style: chr17-82027386-T-C. GRCh37 (hg19) VCF-style: chr17-79985262-T-C.
Other names: c.775T>C (NM_144999.2); short protein forms F259L.
Identifiers: ClinVar variation 3351495 (VCV003351495.2).
Genomic context (GRCh38, chr17:82,027,386, plus strand): 5'-GAAGGTCAGGTGGACAGGCTGCAGGTGCCCTGACAGGGCTGCGGCTGTCTCTGTCCCCAG[T>C]TCCTCGACTTGATGGAGACTATTGATAAGCAGCGAGAAGAGATGGCCAAGAGCAGCAGGT-3'
Protein context (NP_659436.1, residues 249-269): QHLREEKSKQ[Phe259Leu]LDLMETIDKQ

ClinVar aggregate classification (germline): Uncertain significance. Review status: criteria provided, single submitter (1 of 4 stars). 2 submissions from 2 submitters: Uncertain significance (1). 1 of the submissions does not count toward it. Last evaluated 2025-08-19.

Conditions:
LRRC45-related disorder. Also called: LRRC45-related condition.

gnomAD v4.1: 27 of 1,612,458 alleles (0.0017%); highest among the groups gnomAD compares: Non-Finnish European, 0.0021%; no homozygotes.

Submissions (2):

Ambry Genetics
Classification: Uncertain significance. Last evaluated: 2025-08-19. Review status: criteria provided, single submitter. Criteria: Ambry Variant Classification Scheme 2023. Collection method: clinical testing. Allele origin: germline.

PreventionGenetics, part of Exact Sciences
Classification: Uncertain significance for LRRC45-related condition. Last evaluated: 2024-08-27. Review status: no assertion criteria provided. Collection method: clinical testing. Allele origin: germline. Not counted in ClinVar's aggregate classification.
Comment: The LRRC45 c.775T>C variant is predicted to result in the amino acid substitution p.Phe259Leu. To our knowledge, this variant has not been reported in the literature. This variant is reported in 0.0062% of alleles in individuals of African descent in gnomAD. At this time, the clinical significance of this variant is uncertain due to the absence of conclusive functional and genetic evidence.